The following is an entry in ClinVar:

ClinVar aggregate classification (germline): Uncertain significance (1 of 4 stars; one submission).

Conditions:
Meckel-Gruber syndrome. Also called: DYSENCEPHALIA SPLANCHNOCYSTICA; GRUBER SYNDROME; Dysencephalia splachnocystica. Identifiers: Orphanet 564, MedGen C0265215, MONDO:0018921.
Joubert syndrome. Also called: JOUBERT-BOLTSHAUSER SYNDROME; Familial aplasia of the vermis. Identifiers: Orphanet 475, MedGen C5979921, MONDO:0018772.

gnomAD v4.1: 5 of 1,610,006 alleles (0.00031%); highest among the groups gnomAD compares: Non-Finnish European, 0.00042%; no homozygotes.

Submission:

Labcorp Genetics (formerly Invitae), Labcorp
Classification: Uncertain significance for Joubert syndrome; Meckel-Gruber syndrome. Last evaluated: 2024-10-22. Review status: criteria provided, single submitter. Criteria: Invitae Variant Classification Sherloc (09022015). Collection method: clinical testing. Allele origin: germline.
Comment: This sequence change replaces methionine, which is neutral and non-polar, with threonine, which is neutral and polar, at codon 796 of the CC2D2A protein (p.Met796Thr). This variant is present in population databases (rs367560550, gnomAD 0.0009%). This variant has not been reported in the literature in individuals affected with CC2D2A-related conditions. ClinVar contains an entry for this variant (Variation ID: 1715273). Invitae Evidence Modeling of protein sequence and biophysical properties (such as structural, functional, and spatial information, amino acid conservation, physicochemical variation, residue mobility, and thermodynamic stability) has been performed for this missense variant. However, the output from this modeling did not meet the statistical confidence thresholds required to predict the impact of this variant on CC2D2A protein function. In summary, the available evidence is currently insufficient to determine the role of this variant in disease. Therefore, it has been classified as a Variant of Uncertain Significance.

NM_001378615.1(CC2D2A):c.2387T>C (p.Met796Thr)

Genes: CC2D2A (coiled-coil and C2 domain containing 2A; plus strand), FBXL5 (F-box and leucine rich repeat protein 5; minus strand). Cytogenetic location: 4p15.32.
Variant type: single nucleotide variant.
Coding change: c.2387T>C on transcript NM_001378615.1 (MANE Select); coding-DNA position 2387, T replaced by C.
Protein change: p.Met796Thr; replaces methionine 796 with threonine.
Molecular consequence: missense variant.
Genome position (GRCh38, 1-based): chr4:15,553,206, T>C. VCF-style: chr4-15553206-T-C. GRCh37 (hg19) VCF-style: chr4-15554829-T-C.
Other names: c.2387T>C, p.Met796Thr (NM_001080522.2); c.2240T>C, p.Met747Thr (NM_001378617.1); short protein forms M747T, M796T.
Identifiers: ClinVar variation 1715273 (VCV001715273.5), dbSNP rs367560550, ClinGen allele CA2863909.
Genomic context (GRCh38, chr4:15,553,206, plus strand): 5'-GTGTTTCCCCAGGAGTGCCCTTCTCATTTGAAGCTGATGGCAGTAACCAGCTGACTCTGA[T>C]GACCTCAGGGAAAGTGTCTCATAGTGTGGCATGGGCCATTGGAGAAAACGGGATACCTTT-3'
Protein context (NP_001365544.1, residues 786-806): EADGSNQLTL[Met796Thr]TSGKVSHSVA